The following is an entry in ClinVar:

NM_000642.3(AGL):c.3658_3659del (p.Arg1220fs)

Gene: AGL (amylo-alpha-1,6-glucosidase and 4-alpha-glucanotransferase; plus strand). Cytogenetic location: 1p21.2.
Variant type: Deletion.
Coding change: c.3658_3659del on transcript NM_000642.3 (MANE Select); coding-DNA positions 3658 to 3659, 2 bases deleted (AG; older notation c.3658_3659delAG).
Protein change: p.Arg1220fs; shifts the reading frame from arginine 1220.
Molecular consequence: frameshift variant.
Genome position (GRCh38, 1-based): chr1:99,902,752-99,902,753, AG deleted. VCF-style (leftmost placement, unchanged base first): chr1-99902751-AAG-A. GRCh37 (hg19) VCF-style: chr1-100368307-AAG-A.
Other names: c.3658_3659del, p.Arg1220fs (NM_000028.3, NM_000643.3, NM_000644.3 and 1 more transcripts); c.3610_3611del, p.Arg1204fs (NM_000646.3); c.3637_3638del, p.Arg1213fs (NM_001425326.1); c.3457_3458del, p.Arg1153fs (NM_001425327.1); c.3454_3455del, p.Arg1152fs (NM_001425328.1); c.3319_3320del, p.Arg1107fs (NM_001425329.1); c.3280_3281del, p.Arg1094fs (NM_001425332.1); short protein forms R1094fs, R1107fs, R1152fs, R1153fs, R1204fs, R1213fs, R1220fs.
Identifiers: ClinVar variation 5012624 (VCV005012624.1).
Genomic context (GRCh38, chr1:99,902,751, plus strand): 5'-ATTGTTTGAAGTCATACAGGAAGCAATGCAAAAACACATGCAGGGCATACAGTTCCGAGA[AAG>A]GAATGCTGGTCCCCAGATAGATCGAAACATGAAGGACGAAGGTACAGAACTTTAACTAAA-3'

ClinVar aggregate classification (germline): Pathogenic (1 of 4 stars; one submission).

Conditions:
Glycogen storage disease type III (GSD3). Also called: FORBES DISEASE; Cori disease. Identifiers: Orphanet 366, MedGen C0017922, MONDO:0009291, OMIM 232400.

Submission:

Myriad Genetics, Inc.
Classification: Pathogenic for Glycogen storage disease type III. Last evaluated: 2023-12-31. Review status: criteria provided, single submitter. Criteria: Myriad Autosomal Dominant, Autosomal Recessive and X-Linked Classification Criteria (2023). Collection method: clinical testing. Allele origin: unknown.
Comment: NM_000642.2(AGL):c.3658_3659delAG(R1220Efs*16) is expected to be pathogenic in the context of glycogen storage disease type III. This variant is predicted to lead to an abnormal or absent protein product due to the creation of a premature termination codon in AGL, a gene where loss-of-function variants are known to be pathogenic. Please note: this variant was assessed in the context of healthy population screening.